The following is an entry in ClinVar:

NM_002667.5(PLN):c.*17C>G

Genes: CEP85L (centrosomal protein 85L; minus strand), PLN (phospholamban; plus strand). Cytogenetic location: 6q22.31.
Variant type: single nucleotide variant.
Coding change: c.*17C>G on transcript NM_002667.5 (MANE Select); 17 bases downstream of the stop codon, C replaced by G.
Molecular consequence: 3 prime UTR variant. On other transcripts: intron variant (3).
Genome position (GRCh38, 1-based): chr6:118,559,097, C>G. VCF-style: chr6-118559097-C-G. GRCh37 (hg19) VCF-style: chr6-118880260-C-G.
Other names: c.1029+6432G>C (NM_001178035.2); c.1020+6432G>C (NM_001042475.3, NM_206921.3).
Identifiers: ClinVar variation 379747 (VCV000379747.4), dbSNP rs970310064, ClinGen allele CA16604970.

ClinVar aggregate classification (germline): Conflicting classifications of pathogenicity. Review status: criteria provided, conflicting classifications (1 of 4 stars). 2 submissions from 2 submitters: Uncertain significance (1); Likely benign (1). Last evaluated 2025-04-25.

Allele frequency attached by ClinVar (database versions not stated): gnomAD exomes below 0.00001 and 0.00001; TOPMed 0.00001.
gnomAD v4.1: 15 of 1,597,786 alleles (0.00094%); highest among the groups gnomAD compares: Non-Finnish European, 0.0013%; no homozygotes.

Submissions (2):

Women's Health and Genetics/Laboratory Corporation of America, LabCorp
Classification: Uncertain significance. Last evaluated: 2025-04-25. Review status: criteria provided, single submitter. Criteria: LabCorp Variant Classification Summary - May 2015. Collection method: clinical testing. Allele origin: germline.

GeneDx
Classification: Likely benign. Last evaluated: 2015-05-15. Review status: criteria provided, single submitter. Criteria: GeneDx Variant Classification (06012015). Collection method: clinical testing. Allele origin: germline. Affected: yes.
Comment: This variant is considered likely benign or benign based on one or more of the following criteria: it is a conservative change, it occurs at a poorly conserved position in the protein, it is predicted to be benign by multiple in silico algorithms, and/or has population frequency not consistent with disease.